The following is an entry in ClinVar:

NM_001042646.3(TRAK1):c.568G>A (p.Val190Ile)

Gene: TRAK1 (trafficking kinesin protein 1; plus strand). Cytogenetic location: 3p22.1.
Variant type: single nucleotide variant.
Coding change: c.568G>A on transcript NM_001042646.3 (MANE Select); coding-DNA position 568, G replaced by A.
Protein change: p.Val190Ile; replaces valine 190 with isoleucine.
Molecular consequence: missense variant. On other transcripts: non-coding transcript variant (1).
Genome position (GRCh38, 1-based): chr3:42,188,132, G>A. VCF-style: chr3-42188132-G-A. GRCh37 (hg19) VCF-style: chr3-42229624-G-A.
Other names: c.568G>A, p.Val190Ile (NM_001265608.2, NM_001349246.2, NM_001349247.2); c.346G>A, p.Val116Ile (NM_001265609.2, NM_001265610.1, NM_001349248.1 and 1 more transcripts); c.256G>A, p.Val86Ile (NM_001349245.1); c.394G>A, p.Val132Ile (NM_014965.5); c.568G>A (NM_001042646.1); short protein forms V190I, V132I, V86I, V116I.
Identifiers: ClinVar variation 1031011 (VCV001031011.4), dbSNP rs552538335, ClinGen allele CA2333155.

ClinVar aggregate classification (germline): Uncertain significance. Review status: criteria provided, multiple submitters, no conflicts (2 of 4 stars). 2 submissions from 2 submitters: Uncertain significance (2). Last evaluated 2022-09-27.

Conditions:
Developmental and epileptic encephalopathy, 68. Also called: EPILEPTIC ENCEPHALOPATHY, EARLY INFANTILE, 68. Identifiers: MedGen C4748688, MONDO:0032598, OMIM 618201.
Inborn genetic diseases. Identifiers: MedGen C0950123, MeSH D030342.

Allele frequency attached by ClinVar (database versions not stated): gnomAD exomes 0.00003 and 0.00006; gnomAD 0.00004; TOPMed 0.00005; ExAC 0.00010; 1000 Genomes Project 30x 0.00016; 1000 Genomes Project 0.00020.
gnomAD v4.1: 46 of 1,614,058 alleles (0.0028%); highest among the groups gnomAD compares: Middle Eastern, 0.016%; no homozygotes.

Submissions (2):

Ambry Genetics
Classification: Uncertain significance for Inborn genetic diseases. Last evaluated: 2022-09-27. Review status: criteria provided, single submitter. Criteria: Ambry Variant Classification Scheme 2023. Collection method: clinical testing. Allele origin: germline.

Baylor Genetics
Classification: Uncertain significance for Developmental and epileptic encephalopathy, 68. Last evaluated: 2019-07-27. Review status: criteria provided, single submitter. Criteria: ACMG Guidelines, 2015. Collection method: clinical testing. Allele origin: unknown. Affected: yes.
Comment: This variant was determined to be of uncertain significance according to ACMG Guidelines, 2015 [PMID:25741868].